The following is an entry in ClinVar:

ClinVar aggregate classification (germline): Uncertain significance (1 of 4 stars; one submission).

Submission:

Labcorp Genetics (formerly Invitae), Labcorp
Classification: Uncertain significance. Last evaluated: 2026-01-06. Review status: criteria provided, single submitter. Criteria: Invitae Variant Classification Sherloc (09022015). Collection method: clinical testing. Allele origin: germline.
Comment: This sequence change creates a premature translational stop signal (p.Pro344Hisfs*8) in the CDC6 gene. It is expected to result in an absent or disrupted protein product. However, the current clinical and genetic evidence is not sufficient to establish whether loss-of-function variants in CDC6 cause disease. This variant is present in population databases (rs781175725, gnomAD 0.1%), and has an allele count higher than expected for a pathogenic variant. This variant has not been reported in the literature in individuals affected with CDC6-related conditions. Algorithms developed to predict the effect of sequence changes on RNA splicing suggest that this variant may disrupt the consensus splice site. In summary, the available evidence is currently insufficient to determine the role of this variant in disease. Therefore, it has been classified as a Variant of Uncertain Significance.

NM_001254.4(CDC6):c.1031del (p.Pro344fs)

Gene: CDC6 (cell division cycle 6; plus strand). Cytogenetic location: 17q21.2.
Variant type: Deletion.
Coding change: c.1031del on transcript NM_001254.4 (MANE Select); coding-DNA position 1031, one base deleted (C; older notation c.1031delC).
Protein change: p.Pro344fs; shifts the reading frame from proline 344.
Molecular consequence: frameshift variant.
Genome position (GRCh38, 1-based): chr17:40,294,451, C deleted; the last of 3 consecutive C bases (chr17:40,294,449-40,294,451); deleting any one gives the same sequence. VCF-style (leftmost placement, unchanged base first): chr17-40294448-TC-T. GRCh37 (hg19) VCF-style: chr17-38450700-TC-T.
Other names: short protein forms P344fs.
Identifiers: ClinVar variation 4749104 (VCV004749104.1).
Genomic context (GRCh38, chr17:40,294,448, plus strand): 5'-CAGATAGAATTCTACCTAGGCTTCAAGCTAGAGAAAAATGTAAGCCACAGCTGTTGAACT[TC>T]CCACCTTATACCAGAAATCAGATAGTCACTATTTTGCAAGATCGACTTAATCAGGTCAGT-3'